The following is an entry in ClinVar:

ClinVar aggregate classification (germline): Uncertain significance. Review status: criteria provided, multiple submitters, no conflicts (2 of 4 stars). 4 submissions from 4 submitters: Uncertain significance (4). Last evaluated 2024-10-30.

Allele frequency attached by ClinVar (database versions not stated): ExAC 0.00016; TOPMed 0.00021.
gnomAD v4.1: 572 of 1,613,290 alleles (0.035%); highest among the groups gnomAD compares: Non-Finnish European, 0.046%; no homozygotes.

Submissions (4):

GeneDx
Classification: Uncertain significance. Last evaluated: 2024-10-30. Review status: criteria provided, single submitter. Criteria: GeneDx Variant Classification Process June 2021. Collection method: clinical testing. Allele origin: germline. Affected: yes.
Comment: In silico analysis indicates that this missense variant does not alter protein structure/function; Has not been previously published as pathogenic or benign to our knowledge

ARUP Laboratories, Molecular Genetics and Genomics, ARUP Laboratories
Classification: Uncertain significance. Last evaluated: 2023-05-09. Review status: criteria provided, single submitter. Criteria: ARUP Molecular Germline Variant Investigation Process 2024. Collection method: clinical testing. Allele origin: germline.
Comment: The HSPG2 c.11982G>T; p.Glu3994Asp variant (rs139290729), to our knowledge, is not reported in the medical literature or gene specific databases. This variant is found in the non-Finnish European population with an allele frequency of 0.03% (43/127,568 alleles) in the Genome Aggregation Database. Computational analyses are uncertain whether this variant is neutral or deleterious (REVEL: 0.251). Due to limited information, the clinical significance of this variant is uncertain at this time.

Athena Diagnostics
Classification: Uncertain significance. Last evaluated: 2022-07-05. Review status: criteria provided, single submitter. Criteria: Athena Diagnostics Criteria. Collection method: clinical testing. Allele origin: unknown.

Revvity Omics, Revvity
Classification: Uncertain significance. Last evaluated: 2020-03-18. Review status: criteria provided, single submitter. Criteria: ACMG Guidelines, 2015. Collection method: clinical testing. Allele origin: germline.

NM_005529.7(HSPG2):c.11982G>T (p.Glu3994Asp)

Gene: HSPG2 (heparan sulfate proteoglycan 2; minus strand). Cytogenetic location: 1p36.12.
Variant type: single nucleotide variant.
Coding change: c.11982G>T on transcript NM_005529.7 (MANE Select); coding-DNA position 11982, G replaced by T.
Protein change: p.Glu3994Asp; replaces glutamic acid 3994 with aspartic acid.
Molecular consequence: missense variant.
Genome position (GRCh38, 1-based): chr1:21,829,393, C>A on the plus strand (G>T on the coding strand, the complement: HSPG2 is on the minus strand). VCF-style: chr1-21829393-C-A. GRCh37 (hg19) VCF-style: chr1-22155886-C-A.
Other names: c.11982G>T (NM_005529.5); c.11985G>T, p.Glu3995Asp (NM_001291860.2); short protein forms E3994D, E3995D.
Identifiers: ClinVar variation 1806893 (VCV001806893.6), dbSNP rs139290729, ClinGen allele CA669562.
Genomic context (GRCh38, chr1:21,829,393, plus strand): 5'-GGGCACAAGGCTTGGTGTGCAGAGCCCCGCATTTGGTGCTGGGTGCTTACCTGACCCCAA[C>A]TCATAGCGGAACTCCAGGTGGCCGCCCACCATCGCCAGGGACACGAAGTCCTCCACAGGC-3'
Protein context (NP_005520.4, residues 3984-4004): MVGGHLEFRY[Glu3994Asp]LGSGLAVLRS